The following is an entry in ClinVar:

ClinVar aggregate classification (germline): Uncertain significance (1 of 4 stars; one submission).

Conditions:
Hereditary cancer-predisposing syndrome. Also called: Hereditary Cancer Syndrome; Hereditary neoplastic syndrome; Neoplastic Syndromes, Hereditary; Tumor predisposition. Identifiers: Orphanet 140162, MedGen C0027672, MeSH D009386, MONDO:0015356.

Submission:

Sema4
Classification: Uncertain significance for Hereditary cancer-predisposing syndrome. Last evaluated: 2021-04-23. Review status: criteria provided, single submitter. Criteria: Sema4 Curation Guidelines. Collection method: curation. Allele origin: germline.
Comment: The NF2 c.1380A>T (p.E460D) variant has not been reported in the literature to our knowledge. It was not observed in the large and broad cohorts of the Genome Aggregation Database, nor has the variant has been reported in ClinVar. In silico tools suggest the impact of the variant on protein function is inconclusive, though these predictions have not been confirmed by functional studies. The evidence is insufficient to meet ACMG/AMP criteria for classifying the variant as benign or pathogenic. Thus, the clinical significance of this variant is currently uncertain.

NM_000268.4(NF2):c.1380A>T (p.Glu460Asp)

Gene: NF2 (NF2, moesin-ezrin-radixin like (MERLIN) tumor suppressor; plus strand). Cytogenetic location: 22q12.2.
Variant type: single nucleotide variant.
Coding change: c.1380A>T on transcript NM_000268.4 (MANE Select); coding-DNA position 1380, A replaced by T.
Protein change: p.Glu460Asp; replaces glutamic acid 460 with aspartic acid.
Molecular consequence: missense variant. On other transcripts: non-coding transcript variant (1), intron variant (1).
Genome position (GRCh38, 1-based): chr22:29,674,875, A>T. VCF-style: chr22-29674875-A-T. GRCh37 (hg19) VCF-style: chr22-30070864-A-T.
Other names: c.1380A>T, p.Glu460Asp (NM_016418.5, NM_181825.3, NM_181832.3); c.1254A>T, p.Glu418Asp (NM_181828.3); c.1257A>T, p.Glu419Asp (NM_181829.3); c.1131A>T, p.Glu377Asp (NM_181830.3, NM_181831.3); c.448-19877A>T (NM_181833.3); short protein forms E377D, E418D, E419D, E460D.
Identifiers: ClinVar variation 1692360 (VCV001692360.1), dbSNP rs2147092701, ClinGen allele CA411148965.
Genomic context (GRCh38, chr22:29,674,875, plus strand): 5'-CATCTCATCCTTTCCTTGCAGGGCCAAAGAGGCAGATCAGCTGAAGCAGGACCTGCAGGA[A>T]GCACGCGAGGCGGAGCGAAGAGCCAAGCAGAAGCTCCTGGAGATTGCCACCAAGCCCACG-3'
Protein context (NP_000259.1, residues 450-470): EADQLKQDLQ[Glu460Asp]AREAERRAKQ